The following is an entry in ClinVar:

NM_139058.3(ARX):c.462G>T (p.Ala154=)

Genes: ARX (aristaless related homeobox; minus strand), LOC109610631 (aristaless related homeobox polyalanine expansion region; plus strand). Cytogenetic location: Xp21.3.
Variant type: single nucleotide variant.
Coding change: c.462G>T on transcript NM_139058.3 (MANE Select); coding-DNA position 462, G replaced by T.
Protein change: p.Ala154=; no amino-acid change (alanine 154 retained).
Molecular consequence: synonymous variant.
Genome position (GRCh38, 1-based): chrX:25,013,533, C>A on the plus strand (G>T on the coding strand, the complement: ARX is on the minus strand). VCF-style: chrX-25013533-C-A. GRCh37 (hg19) VCF-style: chrX-25031650-C-A.
Identifiers: ClinVar variation 1742031 (VCV001742031.7), dbSNP rs1291548880, ClinGen allele CA515947646.
Genomic context (GRCh38, chrX:25,013,533, plus strand): 5'-CGACTTGCTGCGGCTGATGCTCACCTGCGGCGCCTGGCTGATCTTGAGCGTGTCCCAGGC[C>A]GCGGCGGCCGCGGCCGCGGCTGCCGCGGCGGCCCCTGCGCCGTCCGGCCGTTCCCCGGGC-3'
Protein context (NP_620689.1, residues 144-164): AAAAAAAAAA[Ala154=]AWDTLKISQA

ClinVar aggregate classification (germline): Likely benign. Review status: criteria provided, multiple submitters, no conflicts (2 of 4 stars). 3 submissions from 3 submitters: Likely benign (2). 1 of the submissions does not count toward it. Last evaluated 2025-09-05.

Conditions:
Inborn genetic diseases. Identifiers: MedGen C0950123, MeSH D030342.
ARX-related disorder. Also called: ARX-Related Disorders; ARX-related condition. Identifiers: MedGen CN378769.
Intellectual disability, X-linked, with or without seizures, ARX-related. Also called: MENTAL RETARDATION, X-LINKED 29; MENTAL RETARDATION, X-LINKED 32; MENTAL RETARDATION, X-LINKED 33; MENTAL RETARDATION, X-LINKED 38; MENTAL RETARDATION, X-LINKED 43; MENTAL RETARDATION, X-LINKED 76. Identifiers: Orphanet 777, MedGen C0796244, MONDO:0010317, OMIM 300419.
Developmental and epileptic encephalopathy, 1 (DEE1). Also called: INFANTILE SPASM SYNDROME, X-LINKED 1; Epileptic encephalopathy, early infantile, 1; X-linked infantile spasms; West's syndrome; Tonic spasms with clustering, arrest of psychomotor development and hypsarrhythmia on EEG; X-Linked Infantile Spasm Syndrome. Identifiers: MedGen C3463992, MONDO:0010632, OMIM 308350. Disease mechanism: loss of function.

Allele frequency attached by ClinVar (database versions not stated): gnomAD 0.00003; gnomAD exomes 0.00001.
gnomAD v4.1: 8 of 793,307 alleles (0.001%); highest among the groups gnomAD compares: African/African-American, 0.019%; no homozygotes.

Submissions (3):

Labcorp Genetics (formerly Invitae), Labcorp
Classification: Likely benign for Developmental and epileptic encephalopathy, 1; Intellectual disability, X-linked, with or without seizures, ARX-related. Last evaluated: 2025-09-05. Review status: criteria provided, single submitter. Criteria: Invitae Variant Classification Sherloc (09022015). Collection method: clinical testing. Allele origin: germline.

Ambry Genetics
Classification: Likely benign for Inborn genetic diseases. Last evaluated: 2017-07-25. Review status: criteria provided, single submitter. Criteria: Ambry Variant Classification Scheme 2023. Collection method: clinical testing. Allele origin: germline.

PreventionGenetics, part of Exact Sciences
Classification: Likely benign for ARX-related condition. Last evaluated: 2020-11-10. Review status: no assertion criteria provided. Collection method: clinical testing. Allele origin: germline. Not counted in ClinVar's aggregate classification.
Comment: This variant is classified as likely benign based on ACMG/AMP sequence variant interpretation guidelines (Richards et al. 2015 PMID: 25741868, with internal and published modifications).